The following is an entry in ClinVar:

ClinVar aggregate classification (germline): Uncertain significance (1 of 4 stars; one submission).

Conditions:
Dilated cardiomyopathy 1D. Identifiers: Orphanet 154, Orphanet 54260, MedGen C1832243, MONDO:0011095, OMIM 601494.
Cardiomyopathy, familial restrictive, 3. Identifiers: Orphanet 75249, MedGen C2676271, MONDO:0012900, OMIM 612422.
Hypertrophic cardiomyopathy 2. Also called: TNNT2-Related Familial Hypertrophic Cardiomyopathy. Identifiers: MedGen C1861864, MONDO:0007266, OMIM 115195.

Submission:

Labcorp Genetics (formerly Invitae), Labcorp
Classification: Uncertain significance for Cardiomyopathy, familial restrictive, 3; Hypertrophic cardiomyopathy 2; Dilated cardiomyopathy 1D. Last evaluated: 2022-08-05. Review status: criteria provided, single submitter. Criteria: Invitae Variant Classification Sherloc (09022015). Collection method: clinical testing. Allele origin: germline.
Comment: This variant is not present in population databases (gnomAD no frequency). In summary, the available evidence is currently insufficient to determine the role of this variant in disease. Therefore, it has been classified as a Variant of Uncertain Significance. Algorithms developed to predict the effect of missense changes on protein structure and function are either unavailable or do not agree on the potential impact of this missense change (SIFT: "Tolerated"; PolyPhen-2: "Possibly Damaging"; Align-GVGD: "Class C0"). This variant has not been reported in the literature in individuals affected with TNNT2-related conditions. This sequence change replaces serine, which is neutral and polar, with arginine, which is basic and polar, at codon 198 of the TNNT2 protein (p.Ser198Arg).

NM_001276345.2(TNNT2):c.624T>G (p.Ser208Arg)

Gene: TNNT2 (troponin T2, cardiac type; minus strand). Cytogenetic location: 1q32.1.
Variant type: single nucleotide variant.
Coding change: c.624T>G on transcript NM_001276345.2 (MANE Select); coding-DNA position 624, T replaced by G.
Protein change: p.Ser208Arg; replaces serine 208 with arginine.
Molecular consequence: missense variant.
Genome position (GRCh38, 1-based): chr1:201,362,008, A>C on the plus strand (T>G on the coding strand, the complement: TNNT2 is on the minus strand). VCF-style: chr1-201362008-A-C. GRCh37 (hg19) VCF-style: chr1-201331136-A-C.
Other names: c.615T>G, p.Ser205Arg (NM_000364.4, NM_001406723.1); c.594T>G, p.Ser198Arg (NM_001001430.3, NM_001276347.2, NM_001406724.1); c.585T>G, p.Ser195Arg (NM_001001431.3, NM_001406726.1, NM_001406727.1); c.576T>G, p.Ser192Arg (NM_001001432.3); c.495T>G, p.Ser165Arg (NM_001276346.2); c.591T>G, p.Ser197Arg (NM_001406725.1); c.579T>G, p.Ser193Arg (NM_001406728.1); short protein forms S165R, S192R, S193R, S195R, S197R, S198R, S205R, S208R.
Identifiers: ClinVar variation 1715123 (VCV001715123.5), dbSNP rs2526942998, ClinGen allele CA344203958.